The following is an entry in ClinVar:

NM_000089.4(COL1A2):c.3159+1G>A

Gene: COL1A2 (collagen type I alpha 2 chain; plus strand). Cytogenetic location: 7q21.3.
Variant type: single nucleotide variant.
Coding change: c.3159+1G>A on transcript NM_000089.4 (MANE Select); the canonical splice donor site of the intron after coding-DNA position 3159, G replaced by A.
Molecular consequence: splice donor variant.
Genome position (GRCh38, 1-based): chr7:94,427,062, G>A. VCF-style: chr7-94427062-G-A. GRCh37 (hg19) VCF-style: chr7-94056374-G-A.
Identifiers: ClinVar variation 1696434 (VCV001696434.7), dbSNP rs2484737405, ClinGen allele CA368225391.

ClinVar aggregate classification (germline): Likely pathogenic. Review status: criteria provided, single submitter (1 of 4 stars). 2 submissions from 2 submitters: Likely pathogenic (1). 1 of the submissions does not count toward it. Last evaluated 2022-08-08.

Conditions:
Osteogenesis imperfecta, perinatal lethal (OI2). Also called: OSTEOGENESIS IMPERFECTA, TYPE II; OI, TYPE II; OSTEOGENESIS IMPERFECTA CONGENITA; VROLIK TYPE OF OSTEOGENESIS IMPERFECTA; Osteogenesis imperfecta, dominant perinatal lethal; Osteogenesis imperfecta type 2. Identifiers: Orphanet 216804, MedGen C0268358, MONDO:0008147, OMIM 166210.
Ehlers-Danlos syndrome, classic type, 1 (EDSCL1). Also called: EDS I; Ehlers-Danlos syndrome, type 1; EHLERS-DANLOS SYNDROME, GRAVIS TYPE; EHLERS-DANLOS SYNDROME, SEVERE CLASSIC TYPE; Ehlers-Danlos Syndrome, Classic Type, COL5A1-Related. Identifiers: MedGen C0268335, MONDO:0019567, OMIM 130000.
Osteogenesis imperfecta type I (OI1). Also called: Osteogenesis imperfecta type 1; Lobstein's Disease; OI, TYPE I; OSTEOGENESIS IMPERFECTA TARDA; OSTEOGENESIS IMPERFECTA WITH BLUE SCLERAE; Lobstein disease. Identifiers: Orphanet 216796, Orphanet 666, MedGen C0023931, MONDO:0008146, OMIM 166200. Disease mechanism: loss of function.

Submissions (2):

Labcorp Genetics (formerly Invitae), Labcorp
Classification: Likely pathogenic for Osteogenesis imperfecta type I; Ehlers-Danlos syndrome, classic type, 1. Last evaluated: 2022-08-08. Review status: criteria provided, single submitter. Criteria: Invitae Variant Classification Sherloc (09022015). Collection method: clinical testing. Allele origin: germline.
Comment: In summary, the currently available evidence indicates that the variant is pathogenic, but additional data are needed to prove that conclusively. Therefore, this variant has been classified as Likely Pathogenic. Algorithms developed to predict the effect of sequence changes on RNA splicing suggest that this variant may disrupt the consensus splice site. This variant has not been reported in the literature in individuals affected with COL1A2-related conditions. This variant is not present in population databases (gnomAD no frequency). This sequence change affects a donor splice site in intron 47 of the COL1A2 gene. It is expected to disrupt RNA splicing. Variants that disrupt the donor or acceptor splice site typically lead to a loss of protein function (PMID: 16199547), and loss-of-function variants in COL1A2 are known to be pathogenic (PMID: 11288717, 15077201).

Istanbul Faculty of Medicine, Istanbul University
Classification: Likely pathogenic for Osteogenesis imperfecta, perinatal lethal. Last evaluated: 2022-01-29. Review status: no assertion criteria provided. Collection method: clinical testing. Allele origin: unknown. Affected: yes. Observed: 1 variant allele. Not counted in ClinVar's aggregate classification.

Literature cited by the submitters: PubMed 16199547 (cited by Labcorp Genetics (formerly Invitae), Labcorp); PubMed 11288717 (cited by Labcorp Genetics (formerly Invitae), Labcorp); PubMed 15077201 (cited by Labcorp Genetics (formerly Invitae), Labcorp); PubMed 38346409 (cited by Istanbul Faculty of Medicine, Istanbul University).